The following is an entry in ClinVar:

ClinVar aggregate classification (germline): not provided (0 of 4 stars; one submission).

Allele frequency attached by ClinVar (database versions not stated): 1000 Genomes Project 0.12680; 1000 Genomes Project 30x 0.13117.
gnomAD v4.1: 110,023 of 1,614,004 alleles (6.8%); highest among the groups gnomAD compares: African/African-American, 22%; 5,006 homozygotes.

Submission:

ITMI
No classification provided. Condition: AllHighlyPenetrant. Last evaluated: 2013-09-19. Review status: no classification provided. Collection method: reference population. Allele origin: germline.
Comment: Please see associated publication for description of ethnicities

Literature cited by the submitters: PubMed 24728327.

NM_017709.4(TENT5C):c.201C>G (p.His67Gln)

Gene: TENT5C (terminal nucleotidyltransferase 5C; plus strand). Cytogenetic location: 1p12.
Variant type: single nucleotide variant.
Coding change: c.201C>G on transcript NM_017709.4 (MANE Select); coding-DNA position 201, C replaced by G.
Protein change: p.His67Gln; replaces histidine 67 with glutamine.
Molecular consequence: missense variant.
Genome position (GRCh38, 1-based): chr1:117,623,069, C>G. VCF-style: chr1-117623069-C-G. GRCh37 (hg19) VCF-style: chr1-118165691-C-G.
Other names: short protein forms H67Q.
Identifiers: ClinVar variation 134229 (VCV000134229.1), dbSNP rs1630312, ClinGen allele CA159209.